The following is an entry in ClinVar:

ClinVar aggregate classification (germline): Uncertain significance (1 of 4 stars; one submission).

Conditions:
Niemann-Pick disease, type C1. Also called: NIEMANN-PICK DISEASE, VARIANT TYPE C1; NEUROVISCERAL STORAGE DISEASE WITH VERTICAL SUPRANUCLEAR OPHTHALMOPLEGIA; NIEMANN-PICK DISEASE WITH CHOLESTEROL ESTERIFICATION BLOCK; NIEMANN-PICK DISEASE WITHOUT SPHINGOMYELINASE DEFICIENCY; NIEMANN-PICK DISEASE, CHRONIC NEURONOPATHIC FORM. Identifiers: Orphanet 646, MedGen C3179455, MONDO:0009757, OMIM 257220.

Allele frequency attached by ClinVar (database versions not stated): TOPMed below 0.00001; ExAC 0.00001.
gnomAD v4.1: 1 of 1,613,968 alleles (0.000062%); highest among the groups gnomAD compares: Non-Finnish European, 0.000085%; no homozygotes.

Submission:

Labcorp Genetics (formerly Invitae), Labcorp
Classification: Uncertain significance for Niemann-Pick disease, type C1. Last evaluated: 2021-10-05. Review status: criteria provided, single submitter. Criteria: Invitae Variant Classification Sherloc (09022015). Collection method: clinical testing. Allele origin: germline.
Comment: This sequence change replaces arginine with glycine at codon 1077 of the NPC1 protein (p.Arg1077Gly). The arginine residue is moderately conserved and there is a moderate physicochemical difference between arginine and glycine. This variant is present in population databases (rs750095738, ExAC 0.002%). This variant has not been reported in the literature in individuals affected with NPC1-related conditions. Algorithms developed to predict the effect of missense changes on protein structure and function (SIFT, PolyPhen-2, Align-GVGD) all suggest that this variant is likely to be tolerated. In summary, the available evidence is currently insufficient to determine the role of this variant in disease. Therefore, it has been classified as a Variant of Uncertain Significance.

NM_000271.5(NPC1):c.3229C>G (p.Arg1077Gly)

Gene: NPC1 (NPC intracellular cholesterol transporter 1; minus strand). Cytogenetic location: 18q11.2.
Variant type: single nucleotide variant.
Coding change: c.3229C>G on transcript NM_000271.5 (MANE Select); coding-DNA position 3229, C replaced by G.
Protein change: p.Arg1077Gly; replaces arginine 1077 with glycine.
Molecular consequence: missense variant.
Genome position (GRCh38, 1-based): chr18:23,536,689, G>C on the plus strand (C>G on the coding strand, the complement: NPC1 is on the minus strand). VCF-style: chr18-23536689-G-C. GRCh37 (hg19) VCF-style: chr18-21116653-G-C.
Other names: short protein forms R1077G.
Identifiers: ClinVar variation 1463002 (VCV001463002.3), dbSNP rs750095738, ClinGen allele CA8912838.